The following is an entry in ClinVar:

ClinVar aggregate classification (germline): Likely pathogenic (0 of 4 stars; one submission).

Submission:

Laboratory of Genetics in Ophthalmology, Institut Imagine
Classification: Likely pathogenic. Last evaluated: 2022-06-17. Review status: no assertion criteria provided. Collection method: research. Allele origin: inherited. Inheritance: Autosomal recessive inheritance. Affected: yes. Observed: 4 variant alleles, 1 heterozygote, 3 compound heterozygotes. Clinical features observed: Optic neuropathy (HP:0001138), Myopathy (HP:0003198), Cerebellar atrophy (HP:0001272), Upper motor neuron dysfunction (HP:0002493).
Comment: The c.65C>A (p.22AlaGlu) variant in MSTO1 is absent from large population studies. It has been identified in compound heterozygosity with the c.220+5 splice variant (induces exon skipping; nonsense-mediated mRNA decay highly suspected from mRNA analysis in patient cells) in three siblings affected with typical MSTO1-associated myopathy, cerebellar atrophy and corticospinal involvement associated with a previously unreported optic neuropathy responsible for a profound central visual loss. Biallelism has been experimentally demonstrated. Multiple line of computational evidence support deleterious effect of the variant. In summary, the variant meets criteria to be classified as likely pathogenic based upon phenotype, family history, segregation studies, absence from controls and computational predictions.

NM_018116.4(MSTO1):c.65C>A (p.Ala22Glu)

Gene: MSTO1 (misato mitochondrial distribution and morphology regulator 1; plus strand). Cytogenetic location: 1q22.
Variant type: single nucleotide variant.
Coding change: c.65C>A on transcript NM_018116.4 (MANE Select); coding-DNA position 65, C replaced by A.
Protein change: p.Ala22Glu; replaces alanine 22 with glutamic acid.
Molecular consequence: missense variant. On other transcripts: 5 prime UTR variant (14), non-coding transcript variant (6).
Genome position (GRCh38, 1-based): chr1:155,610,313, C>A. VCF-style: chr1-155610313-C-A. GRCh37 (hg19) VCF-style: chr1-155580104-C-A.
Other names: c.65C>A, p.Ala22Glu (NM_001256532.1, NM_001256533.1, NM_001350772.1 and 3 more transcripts); c.-223C>A (NM_001350776.1); c.-492C>A (NM_001350777.1); c.-556C>A (NM_001350778.1); c.-497C>A (NM_001350779.1); c.-608C>A (NM_001350780.1); c.-1009C>A (NM_001350781.1); c.-534C>A (NM_001350782.1, NM_001350783.1, NM_001350786.1 and 1 more transcripts); and 4 more; short protein forms A22E.
Identifiers: ClinVar variation 1693163 (VCV001693163.3), dbSNP rs1235749181, ClinGen allele CA342755735.